The following is an entry in ClinVar:

NM_000218.3(KCNQ1):c.1685+6C>T

Gene: KCNQ1 (potassium voltage-gated channel subfamily Q member 1; plus strand). Cytogenetic location: 11p15.5.
Variant type: single nucleotide variant.
Coding change: c.1685+6C>T on transcript NM_000218.3 (MANE Select); 6 bases into the intron after coding-DNA position 1685, C replaced by T.
Molecular consequence: intron variant.
Genome position (GRCh38, 1-based): chr11:2,776,060, C>T. VCF-style: chr11-2776060-C-T. GRCh37 (hg19) VCF-style: chr11-2797290-C-T.
Other names: c.1415+6C>T (NM_001406837.1); c.1589+6C>T (NM_001406836.1); c.1145+6C>T (NM_001406838.1); c.1304+6C>T (NM_181798.2).
Identifiers: ClinVar variation 3698476 (VCV003698476.3).

ClinVar aggregate classification (germline): Uncertain significance. Review status: criteria provided, multiple submitters, no conflicts (2 of 4 stars). 2 submissions from 2 submitters: Uncertain significance (2). Last evaluated 2025-06-30.

Conditions:
Long QT syndrome (LQTS). Identifiers: MedGen C0023976, MeSH D008133, MONDO:0002442. Disease mechanism: loss of function. Inheritance: Various modes of inheritance.
Cardiac arrhythmia. Also called: Arrhythmia; Cardiac rhythm disease. Identifiers: MedGen C0003811, MONDO:0007263, HP:0011675.

Submissions (2):

Color Diagnostics, LLC DBA Color Health
Classification: Uncertain significance for Cardiac arrhythmia. Last evaluated: 2025-06-30. Review status: criteria provided, single submitter. Criteria: ACMG Guidelines, 2015. Collection method: clinical testing. Allele origin: germline.
Comment: This variant causes a C to T nucleotide substitution at the +6 position of intron 13/15 of the KCNQ1 gene. To our knowledge, functional studies have not been reported for this variant. This variant has not been reported in individuals affected with KCNQ1-related disorders in the literature. This variant has not been identified in the general population by the Genome Aggregation Database (gnomAD). The available evidence is insufficient to determine the role of this variant in disease conclusively. Therefore, this variant is classified as a Variant of Uncertain Significance.

Labcorp Genetics (formerly Invitae), Labcorp
Classification: Uncertain significance for Long QT syndrome. Last evaluated: 2024-08-14. Review status: criteria provided, single submitter. Criteria: Invitae Variant Classification Sherloc (09022015). Collection method: clinical testing. Allele origin: germline.
Comment: This sequence change falls in intron 13 of the KCNQ1 gene. It does not directly change the encoded amino acid sequence of the KCNQ1 protein. It affects a nucleotide within the consensus splice site. This variant is not present in population databases (gnomAD no frequency). This variant has not been reported in the literature in individuals affected with KCNQ1-related conditions. Variants that disrupt the consensus splice site are a relatively common cause of aberrant splicing (PMID: 17576681, 9536098). Algorithms developed to predict the effect of sequence changes on RNA splicing suggest that this variant is not likely to affect RNA splicing. In summary, the available evidence is currently insufficient to determine the role of this variant in disease. Therefore, it has been classified as a Variant of Uncertain Significance.

Literature cited by the submitters: PubMed 17576681 (cited by Labcorp Genetics (formerly Invitae), Labcorp); PubMed 9536098 (cited by Labcorp Genetics (formerly Invitae), Labcorp).